The following is an entry in ClinVar:

NM_000361.3(THBD):c.997C>G (p.Pro333Ala)

Gene: THBD (thrombomodulin; minus strand). Cytogenetic location: 20p11.21.
Variant type: single nucleotide variant.
Coding change: c.997C>G on transcript NM_000361.3 (MANE Select); coding-DNA position 997, C replaced by G.
Protein change: p.Pro333Ala; replaces proline 333 with alanine.
Molecular consequence: missense variant.
Genome position (GRCh38, 1-based): chr20:23,048,508, G>C on the plus strand (C>G on the coding strand, the complement: THBD is on the minus strand). VCF-style: chr20-23048508-G-C. GRCh37 (hg19) VCF-style: chr20-23029145-G-C.
Other names: short protein forms P333A.
Identifiers: ClinVar variation 3674357 (VCV003674357.3).
Genomic context (GRCh38, chr20:23,048,508, plus strand): 5'-GGTAGCAGTGGCACTCGAAGCCACCCTGTGTGTTGACACAGCGCTGCGGACACGGACTGG[G>C]CTCCAGTATGCAGTCATCCACGTCCTCGCACCGGTGTTGGTCGGCCGCCAGCCGGTAGCC-3'
Protein context (NP_000352.1, residues 323-343): CEDVDDCILE[Pro333Ala]SPCPQRCVNT

ClinVar aggregate classification (germline): Uncertain significance. Review status: criteria provided, multiple submitters, no conflicts (2 of 4 stars). 2 submissions from 2 submitters: Uncertain significance (2). Last evaluated 2025-04-29.

Conditions:
THBD-related disorder. Also called: THBD-related condition.

Submissions (2):

PreventionGenetics, part of Exact Sciences
Classification: Uncertain significance for THBD-related condition. Last evaluated: 2025-04-29. Review status: criteria provided, single submitter. Criteria: ACMG Guidelines, 2015. Collection method: clinical testing. Allele origin: germline.
Comment: The THBD c.997C>G variant is predicted to result in the amino acid substitution p.Pro333Ala. To our knowledge, this variant has not been reported in the literature. This variant is reported in 0.0087% of alleles in individuals of Latino descent in gnomAD. At this time, the clinical significance of this variant is uncertain due to the absence of conclusive functional and genetic evidence.

Labcorp Genetics (formerly Invitae), Labcorp
Classification: Uncertain significance. Last evaluated: 2024-11-27. Review status: criteria provided, single submitter. Criteria: Invitae Variant Classification Sherloc (09022015). Collection method: clinical testing. Allele origin: germline.
Comment: This sequence change replaces proline, which is neutral and non-polar, with alanine, which is neutral and non-polar, at codon 333 of the THBD protein (p.Pro333Ala). This variant is present in population databases (rs764478777, gnomAD 0.009%). This variant has not been reported in the literature in individuals affected with THBD-related conditions. Invitae Evidence Modeling of protein sequence and biophysical properties (such as structural, functional, and spatial information, amino acid conservation, physicochemical variation, residue mobility, and thermodynamic stability) has been performed for this missense variant. However, the output from this modeling did not meet the statistical confidence thresholds required to predict the impact of this variant on THBD protein function. In summary, the available evidence is currently insufficient to determine the role of this variant in disease. Therefore, it has been classified as a Variant of Uncertain Significance.